The following is an entry in ClinVar:

NM_177438.3(DICER1):c.2651-16G>A

Gene: DICER1 (dicer 1, ribonuclease III; minus strand). Cytogenetic location: 14q32.13.
Variant type: single nucleotide variant.
Coding change: c.2651-16G>A on transcript NM_177438.3 (MANE Select); 16 bases into the intron before coding-DNA position 2651, G replaced by A.
Molecular consequence: intron variant.
Genome position (GRCh38, 1-based): chr14:95,107,777, C>T on the plus strand (G>A on the coding strand, the complement: DICER1 is on the minus strand). VCF-style: chr14-95107777-C-T. GRCh37 (hg19) VCF-style: chr14-95574114-C-T.
Other names: c.2651-16G>A (NM_001291628.2, NM_030621.4, NM_001271282.3 and 1 more transcripts).
Identifiers: ClinVar variation 933060 (VCV000933060.12), dbSNP rs189738689, ClinGen allele CA7331202.

ClinVar aggregate classification (germline): Conflicting classifications of pathogenicity. Review status: criteria provided, conflicting classifications (1 of 4 stars). 3 submissions from 3 submitters: Uncertain significance (1); Likely benign (2). Last evaluated 2026-04-13.

Conditions:
DICER1-related tumor predisposition. Also called: DICER1-related pleuropulmonary blastoma cancer predisposition syndrome; DICER1 syndrome. Identifiers: Orphanet 284343, MedGen C3839822, MONDO:0100216.

Allele frequency attached by ClinVar (database versions not stated): TOPMed 0.00002; 1000 Genomes Project 30x 0.00016; 1000 Genomes Project 0.00020; gnomAD exomes 0.00001 and 0.00002; gnomAD 0.00001 and 0.00002; ExAC 0.00002.
gnomAD v4.1: 21 of 1,612,624 alleles (0.0013%); highest among the groups gnomAD compares: East Asian, 0.013%; no homozygotes.

Submissions (3):

Myriad Genetics, Inc.
Classification: Likely benign for DICER1-related tumor predisposition. Last evaluated: 2026-04-13. Review status: criteria provided, single submitter. Criteria: Myriad Autosomal Dominant, Autosomal Recessive and X-Linked Classification Criteria (2023). Collection method: clinical testing. Allele origin: unknown.
Comment: This variant is considered likely benign. This variant is intronic and is not expected to impact mRNA splicing.

Labcorp Genetics (formerly Invitae), Labcorp
Classification: Likely benign for DICER1-related tumor predisposition. Last evaluated: 2025-12-23. Review status: criteria provided, single submitter. Criteria: Invitae Variant Classification Sherloc (09022015). Collection method: clinical testing. Allele origin: germline.

Foulkes Cancer Genetics LDI, Lady Davis Institute for Medical Research
Classification: Uncertain significance. Last evaluated: 2019-07-01. Review status: criteria provided, single submitter. Criteria: ACMG Guidelines, 2015. Collection method: curation. Allele origin: germline. Affected: yes. Observed: 1 variant allele.
Comment: ACMG criteria met: None

Literature cited by the submitters: PubMed 25526195 (cited by Foulkes Cancer Genetics LDI, Lady Davis Institute for Medical Research).